The following is an entry in ClinVar:

NM_006914.4(RORB):c.1078G>A (p.Ala360Thr)

Gene: RORB (RAR related orphan receptor B; plus strand). Cytogenetic location: 9q21.13.
Variant type: single nucleotide variant.
Coding change: c.1078G>A on transcript NM_006914.4 (MANE Select); coding-DNA position 1078, G replaced by A.
Protein change: p.Ala360Thr; replaces alanine 360 with threonine.
Molecular consequence: missense variant.
Genome position (GRCh38, 1-based): chr9:74,667,868, G>A. VCF-style: chr9-74667868-G-A. GRCh37 (hg19) VCF-style: chr9-77282784-G-A.
Other names: c.1111G>A, p.Ala371Thr (NM_001365023.1); short protein forms A360T, A371T.
Identifiers: ClinVar variation 1407234 (VCV001407234.9), dbSNP rs1163653001, ClinGen allele CA373771506.

ClinVar aggregate classification (germline): Uncertain significance. Review status: criteria provided, multiple submitters, no conflicts (2 of 4 stars). 2 submissions from 2 submitters: Uncertain significance (2). Last evaluated 2026-07-01.

Allele frequency attached by ClinVar (database versions not stated): gnomAD 0.00001.

Submissions (2):

CeGaT Center for Human Genetics Tuebingen
Classification: Uncertain significance. Last evaluated: 2026-07-01. Review status: criteria provided, single submitter. Criteria: CeGaT Center For Human Genetics Tuebingen Variant Classification Criteria Version 2. Collection method: clinical testing. Allele origin: germline. Affected: yes. Observed: 1 variant allele.
Comment: RORB: PM2, PP2

Labcorp Genetics (formerly Invitae), Labcorp
Classification: Uncertain significance. Last evaluated: 2025-02-21. Review status: criteria provided, single submitter. Criteria: Invitae Variant Classification Sherloc (09022015). Collection method: clinical testing. Allele origin: germline.
Comment: This sequence change replaces alanine, which is neutral and non-polar, with threonine, which is neutral and polar, at codon 360 of the RORB protein (p.Ala360Thr). This variant is not present in population databases (gnomAD no frequency). This variant has not been reported in the literature in individuals affected with RORB-related conditions. ClinVar contains an entry for this variant (Variation ID: 1407234). An algorithm developed to predict the effect of missense changes on protein structure and function (PolyPhen-2) suggests that this variant is likely to be disruptive. In summary, the available evidence is currently insufficient to determine the role of this variant in disease. Therefore, it has been classified as a Variant of Uncertain Significance.